The following is an entry in ClinVar:

ClinVar aggregate classification (germline): Conflicting classifications of pathogenicity. Review status: criteria provided, conflicting classifications (1 of 4 stars). 2 submissions from 2 submitters: Likely pathogenic (1); Uncertain significance (1). Last evaluated 2026-07-01.

Conditions:
Glycogen storage disease, type II (IOPD). Also called: Pompe Disease; CARDIOMEGALIA GLYCOGENICA DIFFUSA; GLYCOGENOSIS, GENERALIZED, CARDIAC FORM; GSD II; POMPE DISEASE, INFANTILE-ONSET; GLYCOGEN STORAGE DISEASE II, INFANTILE-ONSET. Identifiers: Orphanet 365, MedGen C0017921, MONDO:0009290, OMIM 232300.

Submissions (2):

Genomenon, Inc
Classification: Uncertain significance for Glycogen storage disease, type II. Last evaluated: 2026-07-01. Review status: criteria provided, single submitter. Criteria: Genomenon Sequence Variant Interpretation Standards - Updated. Collection method: curation. Allele origin: germline. Affected: yes.
Comment: GAA p.Glu521Gly (c.1562A>G) is a missense variant that changes the amino acid at codon 521 from Glutamic acid to Glycine. This variant has been observed in at least one proband with a GAA-related disorder (PMID:40225932). The presence of pathogenic/likely pathogenic missense variant(s) at the same amino acid position indicates that this residue is likely important for protein function. It is absent or not present at a significant frequency in gnomAD. In silico models predict that this variant is possibly or probably damaging. In conclusion, we classify GAA p.Glu521Gly (c.1562A>G) as a variant of uncertain significance.

Kariminejad - Najmabadi Pathology & Genetics Center
Classification: Likely pathogenic for Glycogen storage disease, type II. Review status: criteria provided, single submitter. Criteria: ACMG Guidelines, 2015. Collection method: clinical testing. Allele origin: germline. Affected: no.

Literature cited by the submitters: PubMed 40225932 (cited by Genomenon, Inc).

NM_000152.5(GAA):c.1562A>G (p.Glu521Gly)

Gene: GAA (alpha glucosidase; plus strand). Cytogenetic location: 17q25.3.
Variant type: single nucleotide variant.
Coding change: c.1562A>G on transcript NM_000152.5 (MANE Select); coding-DNA position 1562, A replaced by G.
Protein change: p.Glu521Gly; replaces glutamic acid 521 with glycine.
Molecular consequence: missense variant.
Genome position (GRCh38, 1-based): chr17:80,110,951, A>G. VCF-style: chr17-80110951-A-G. GRCh37 (hg19) VCF-style: chr17-78084750-A-G.
Other names: c.1562A>G, p.Glu521Gly (NM_001079803.3, NM_001079804.3, NM_001406741.1 and 1 more transcripts); short protein forms E521G.
Identifiers: ClinVar variation 4876484 (VCV004876484.2).
Genomic context (GRCh38, chr17:80,110,951, plus strand): 5'-ACCCTCCTCACTCTGGGCAGAGTCACCTACCAGCAGCGCTTCTCTTGCAGGACATGAACG[A>G]GCCTTCCAACTTCATCAGGGGCTCTGAGGACGGCTGCCCCAACAATGAGCTGGAGAACCC-3'
Protein context (NP_000143.2, residues 511-531): PFDGMWIDMN[Glu521Gly]PSNFIRGSED